The following is an entry in ClinVar:

NM_001367561.1(DOCK7):c.4702A>T (p.Ile1568Leu)

Gene: DOCK7 (dedicator of cytokinesis 7; minus strand). Cytogenetic location: 1p31.3.
Variant type: single nucleotide variant.
Coding change: c.4702A>T on transcript NM_001367561.1 (MANE Select); coding-DNA position 4702, A replaced by T.
Protein change: p.Ile1568Leu; replaces isoleucine 1568 with leucine.
Molecular consequence: missense variant.
Genome position (GRCh38, 1-based): chr1:62,504,692, T>A on the plus strand (A>T on the coding strand, the complement: DOCK7 is on the minus strand). VCF-style: chr1-62504692-T-A. GRCh37 (hg19) VCF-style: chr1-62970363-T-A.
Other names: c.4675A>T, p.Ile1559Leu (NM_001271999.2, NM_001330614.2); c.4582A>T, p.Ile1528Leu (NM_001272000.2, NM_001272001.2); c.4609A>T, p.Ile1537Leu (NM_033407.4); c.4609A>T (NM_033407.2); short protein forms I1537L, I1568L, I1528L, I1559L.
Identifiers: ClinVar variation 661698 (VCV000661698.10), dbSNP rs374009939, ClinGen allele CA885631.

ClinVar aggregate classification (germline): Uncertain significance. Review status: criteria provided, multiple submitters, no conflicts (2 of 4 stars). 3 submissions from 3 submitters: Uncertain significance (3). Last evaluated 2025-03-22.

Conditions:
Inborn genetic diseases. Identifiers: MedGen C0950123, MeSH D030342.
Developmental and epileptic encephalopathy, 23 (DEE23). Also called: Epileptic encephalopathy, early infantile, 23. Identifiers: Orphanet 411986, MedGen C4014492, MONDO:0014371, OMIM 615859.

Allele frequency attached by ClinVar (database versions not stated): ExAC 0.00002; TOPMed 0.00003; ESP Exome Variant Server 0.00008.
gnomAD v4.1: 58 of 1,614,032 alleles (0.0036%); highest among the groups gnomAD compares: Non-Finnish European, 0.0046%; no homozygotes.

Submissions (3):

Ambry Genetics
Classification: Uncertain significance for Inborn genetic diseases. Last evaluated: 2025-03-22. Review status: criteria provided, single submitter. Criteria: Ambry Variant Classification Scheme 2023. Collection method: clinical testing. Allele origin: germline.

Labcorp Genetics (formerly Invitae), Labcorp
Classification: Uncertain significance for Developmental and epileptic encephalopathy, 23. Last evaluated: 2022-07-18. Review status: criteria provided, single submitter. Criteria: Invitae Variant Classification Sherloc (09022015). Collection method: clinical testing. Allele origin: germline.
Comment: This sequence change replaces isoleucine, which is neutral and non-polar, with leucine, which is neutral and non-polar, at codon 1559 of the DOCK7 protein (p.Ile1559Leu). This variant is present in population databases (rs374009939, gnomAD 0.002%). This variant has not been reported in the literature in individuals affected with DOCK7-related conditions. ClinVar contains an entry for this variant (Variation ID: 661698). Algorithms developed to predict the effect of missense changes on protein structure and function are either unavailable or do not agree on the potential impact of this missense change (SIFT: "Deleterious"; PolyPhen-2: "Benign"; Align-GVGD: "Class C0"). In summary, the available evidence is currently insufficient to determine the role of this variant in disease. Therefore, it has been classified as a Variant of Uncertain Significance.

Blueprint Genetics
Classification: Uncertain significance. Last evaluated: 2021-05-25. Review status: criteria provided, single submitter. Criteria: ACMG Guidelines, 2015. Collection method: clinical testing. Allele origin: germline.